The following is an entry in ClinVar:

NM_000540.3(RYR1):c.8233G>T (p.Val2745Leu)

Gene: RYR1 (ryanodine receptor 1; plus strand). Cytogenetic location: 19q13.2.
Variant type: single nucleotide variant.
Coding change: c.8233G>T on transcript NM_000540.3 (MANE Select); coding-DNA position 8233, G replaced by T.
Protein change: p.Val2745Leu; replaces valine 2745 with leucine.
Molecular consequence: missense variant.
Genome position (GRCh38, 1-based): chr19:38,505,004, G>T. VCF-style: chr19-38505004-G-T. GRCh37 (hg19) VCF-style: chr19-38995644-G-T.
Other names: c.8233G>T, p.Val2745Leu (NM_001042723.2); short protein forms V2745L.
Identifiers: ClinVar variation 3370726 (VCV003370726.1).

ClinVar aggregate classification (germline): Uncertain significance (1 of 4 stars; one submission).

Submission:

GeneDx
Classification: Uncertain significance. Last evaluated: 2024-03-11. Review status: criteria provided, single submitter. Criteria: GeneDx Variant Classification Process June 2021. Collection method: clinical testing. Allele origin: germline. Affected: yes.
Comment: Not observed at significant frequency in large population cohorts (gnomAD); In silico analysis supports that this missense variant does not alter protein structure/function; Has not been previously published as pathogenic or benign to our knowledge; This variant is associated with the following publications: (PMID: 12668474)